The following is an entry in ClinVar:

ClinVar aggregate classification (germline): Uncertain significance (1 of 4 stars; one submission).

Conditions:
X-linked lymphoproliferative disease due to XIAP deficiency. Also called: XIAP-Related Lymphoproliferative Disease, X-Linked; XIAP DEFICIENCY. Identifiers: Orphanet 2442, Orphanet 538934, MedGen C1845076, MONDO:0010385, OMIM 300635.

Submission:

Labcorp Genetics (formerly Invitae), Labcorp
Classification: Uncertain significance for X-linked lymphoproliferative disease due to XIAP deficiency. Last evaluated: 2023-07-27. Review status: criteria provided, single submitter. Criteria: Invitae Variant Classification Sherloc (09022015). Collection method: clinical testing. Allele origin: germline.
Comment: This sequence change replaces histidine, which is basic and polar, with arginine, which is basic and polar, at codon 220 of the XIAP protein (p.His220Arg). This variant is not present in population databases (gnomAD no frequency). This variant has not been reported in the literature in individuals affected with XIAP-related conditions. Advanced modeling of protein sequence and biophysical properties (such as structural, functional, and spatial information, amino acid conservation, physicochemical variation, residue mobility, and thermodynamic stability) performed at Invitae indicates that this missense variant is expected to disrupt XIAP protein function. In summary, the available evidence is currently insufficient to determine the role of this variant in disease. Therefore, it has been classified as a Variant of Uncertain Significance.

NM_001167.4(XIAP):c.659A>G (p.His220Arg)

Gene: XIAP (X-linked inhibitor of apoptosis; plus strand). Cytogenetic location: Xq25.
Variant type: single nucleotide variant.
Coding change: c.659A>G on transcript NM_001167.4 (MANE Select); coding-DNA position 659, A replaced by G.
Protein change: p.His220Arg; replaces histidine 220 with arginine.
Molecular consequence: missense variant.
Genome position (GRCh38, 1-based): chrX:123,886,321, A>G. VCF-style: chrX-123886321-A-G. GRCh37 (hg19) VCF-style: chrX-123020171-A-G.
Other names: c.659A>G, p.His220Arg (NM_001204401.2, NM_001378590.1, NM_001378591.1 and 1 more transcripts); short protein forms H220R.
Identifiers: ClinVar variation 2747486 (VCV002747486.3), dbSNP rs2522585937, ClinGen allele CA414124178.